The following is an entry in ClinVar:

NM_001042492.3(NF1):c.7765C>T (p.Gln2589Ter)

Gene: NF1 (neurofibromin 1; plus strand). Cytogenetic location: 17q11.2.
Variant type: single nucleotide variant.
Coding change: c.7765C>T on transcript NM_001042492.3 (MANE Select); coding-DNA position 7765, C replaced by T.
Protein change: p.Gln2589Ter; replaces glutamine 2589 with a stop codon.
Molecular consequence: nonsense.
Genome position (GRCh38, 1-based): chr17:31,356,986, C>T. VCF-style: chr17-31356986-C-T. GRCh37 (hg19) VCF-style: chr17-29684004-C-T.
Other names: c.7702C>T, p.Gln2568Ter (NM_000267.4); short protein forms Q2589*, Q2568*.
Identifiers: ClinVar variation 484156 (VCV000484156.12), dbSNP rs1555536689, ClinGen allele CA399018390.

ClinVar aggregate classification (germline): Pathogenic. Review status: criteria provided, multiple submitters, no conflicts (2 of 4 stars). 3 submissions from 3 submitters: Pathogenic (3). Last evaluated 2026-10-06.

Conditions:
Neurofibromatosis, type 1 (NF1). Also called: VON RECKLINGHAUSEN DISEASE; Peripheral type neurofibromatosis; Neurofibromatosis, type I; NEUROFIBROMATOSIS, TYPE I, SOMATIC. Identifiers: Orphanet 636, MedGen C0027831, MONDO:0018975, OMIM 162200. Disease mechanism: loss of function.
Hereditary cancer-predisposing syndrome. Also called: Neoplastic Syndromes, Hereditary; Hereditary Cancer Syndrome; Hereditary neoplastic syndrome; Tumor predisposition. Identifiers: Orphanet 140162, MedGen C0027672, MeSH D009386, MONDO:0015356.
Cardiovascular phenotype. Identifiers: MedGen CN230736.

Allele frequency attached by ClinVar (database versions not stated): gnomAD exomes below 0.00001.
gnomAD v4.1: 1 of 1,613,936 alleles (0.000062%); highest among the groups gnomAD compares: Admixed American, 0.0017%; no homozygotes.

Submissions (3):

NHS Central & South Genomic Laboratory Hub
Classification: Pathogenic for Neurofibromatosis type 1. Last evaluated: 2026-10-06. Review status: criteria provided, single submitter. Criteria: ACMG Guidelines, 2015. Collection method: clinical testing. Allele origin: germline. Affected: yes.

Ambry Genetics
Classification: Pathogenic for Cardiovascular phenotype; Hereditary cancer-predisposing syndrome. Last evaluated: 2026-05-19. Review status: criteria provided, single submitter. Criteria: Ambry Variant Classification Scheme 2023. Collection method: clinical testing. Allele origin: germline.
Comment: The p.Q2568* pathogenic mutation (also known as c.7702C>T), located in coding exon 52 of the NF1 gene, results from a C to T substitution at nucleotide position 7702. This changes the amino acid from a glutamine to a stop codon within coding exon 52. This variant was reported in individual(s) with features consistent with neurofibromatosis type 1 (Fahsold R et al. Am J Hum Genet, 2000 Mar;66:790-818). (Ars E et al. J Med Genet, 2003 Jun;40:e82; Castellanos E et al. Clin Genet, 2020 Feb;97:264-275; Wu Y et al. Arch Med Sci, 2020 Nov;16:1476-1482; G&uuml;ne N et al. Ann Hum Genet, 2021 Sep;85:155-165; Ambry internal data). This variant is considered to be rare based on population cohorts in the Genome Aggregation Database (gnomAD). This alteration is expected to result in loss of function by premature protein truncation or nonsense-mediated mRNA decay. As such, this alteration is interpreted as a disease-causing mutation.

Labcorp Genetics (formerly Invitae), Labcorp
Classification: Pathogenic for Neurofibromatosis, type 1. Last evaluated: 2023-09-04. Review status: criteria provided, single submitter. Criteria: Invitae Variant Classification Sherloc (09022015). Collection method: clinical testing. Allele origin: germline.
Comment: This sequence change creates a premature translational stop signal (p.Gln2568*) in the NF1 gene. It is expected to result in an absent or disrupted protein product. Loss-of-function variants in NF1 are known to be pathogenic (PMID: 10712197, 23913538). This variant is not present in population databases (gnomAD no frequency). This premature translational stop signal has been observed in individual(s) with neurofibromatosis type 1 (PMID: 10712197). ClinVar contains an entry for this variant (Variation ID: 484156). For these reasons, this variant has been classified as Pathogenic.

Literature cited by the submitters: PubMed 10712197 (cited by Ambry Genetics and Labcorp Genetics (formerly Invitae), Labcorp); PubMed 12807981 (cited by Ambry Genetics); PubMed 31573083 (cited by Ambry Genetics); PubMed 33224354 (cited by Ambry Genetics); PubMed 33877690 (cited by Ambry Genetics); PubMed 23913538 (cited by Labcorp Genetics (formerly Invitae), Labcorp).